The following is an entry in ClinVar:

ClinVar aggregate classification (germline): Uncertain significance (1 of 4 stars; one submission).

Conditions:
Inborn genetic diseases. Identifiers: MedGen C0950123, MeSH D030342.

Submission:

Ambry Genetics
Classification: Uncertain significance for Inborn genetic diseases. Last evaluated: 2025-10-25. Review status: criteria provided, single submitter. Criteria: Ambry Variant Classification Scheme 2023. Collection method: clinical testing. Allele origin: germline.
Comment: The p.F598S variant (also known as c.1793T>C), located in coding exon 20 of the RTEL1 gene, results from a T to C substitution at nucleotide position 1793. The phenylalanine at codon 598 is replaced by serine, an amino acid with highly dissimilar properties. This amino acid position is conserved. In addition, this alteration is predicted to be deleterious by in silico analysis. Based on the available evidence, the clinical significance of this variant remains unclear.

NM_001283009.2(RTEL1):c.1793T>C (p.Phe598Ser)

Genes: RTEL1 (regulator of telomere elongation helicase 1; plus strand), RTEL1-TNFRSF6B (RTEL1-TNFRSF6B readthrough (NMD candidate); plus strand). Cytogenetic location: 20q13.33.
Variant type: single nucleotide variant.
Coding change: c.1793T>C on transcript NM_001283009.2 (MANE Select); coding-DNA position 1793, T replaced by C.
Protein change: p.Phe598Ser; replaces phenylalanine 598 with serine.
Molecular consequence: missense variant. On other transcripts: non-coding transcript variant (1).
Genome position (GRCh38, 1-based): chr20:63,688,598, T>C. VCF-style: chr20-63688598-T-C. GRCh37 (hg19) VCF-style: chr20-62319951-T-C.
Other names: c.1124T>C, p.Phe375Ser (NM_001283010.1); c.1793T>C, p.Phe598Ser (NM_016434.4); c.1865T>C, p.Phe622Ser (NM_032957.5); short protein forms F598S, F375S, F622S.
Identifiers: ClinVar variation 4629567 (VCV004629567.1).